The following is an entry in ClinVar:

ClinVar aggregate classification (germline): Uncertain significance (1 of 4 stars; one submission).

Conditions:
TRIM32-related disorder. Also called: TRIM32-related condition.

gnomAD v4.1: 6 of 1,613,972 alleles (0.00037%); highest among the groups gnomAD compares: East Asian, 0.0022%; no homozygotes.

Submission:

PreventionGenetics, part of Exact Sciences
Classification: Uncertain significance for TRIM32-related condition. Last evaluated: 2025-12-17. Review status: criteria provided, single submitter. Criteria: ACMG Guidelines, 2015. Collection method: clinical testing. Allele origin: germline.
Comment: The TRIM32 c.895C>T variant is predicted to result in the amino acid substitution p.Arg299Trp. To our knowledge, this variant has not been reported in the literature. This variant is reported in 0.0062% of alleles in individuals of African descent in gnomAD. At this time, the clinical significance of this variant is uncertain due to the absence of conclusive functional and genetic evidence.

NM_012210.4(TRIM32):c.895C>T (p.Arg299Trp)

Genes: ASTN2 (astrotactin 2; minus strand), TRIM32 (tripartite motif containing 32; plus strand). Cytogenetic location: 9q33.1.
Variant type: single nucleotide variant.
Coding change: c.895C>T on transcript NM_012210.4 (MANE Select); coding-DNA position 895, C replaced by T.
Protein change: p.Arg299Trp; replaces arginine 299 with tryptophan.
Molecular consequence: missense variant. On other transcripts: intron variant (3).
Genome position (GRCh38, 1-based): chr9:116,698,637, C>T. VCF-style: chr9-116698637-C-T. GRCh37 (hg19) VCF-style: chr9-119460916-C-T.
Other names: c.895C>T, p.Arg299Trp (NM_001099679.2, NM_001379048.1, NM_001379049.1 and 1 more transcripts); c.2653+27134G>A (NM_014010.5); c.2794+27134G>A (NM_001365069.1); c.2806+27134G>A (NM_001365068.1); short protein forms R299W.
Identifiers: ClinVar variation 4990018 (VCV004990018.1).
Genomic context (GRCh38, chr9:116,698,637, plus strand): 5'-GAGCTCCTTAAGGTAGGTCATGTTGGCCCCCTCCAAATTGGACAAGCTGTTAAGAAGCCC[C>T]GGACAGTTAACGTGGAAGATTCCTGGGCCATGGAGGCCACAGCGTCTGCTGCCTCTACCT-3'
Protein context (NP_036342.2, residues 289-309): LQIGQAVKKP[Arg299Trp]TVNVEDSWAM